The following is an entry in ClinVar:

NM_000478.6(ALPL):c.101A>C (p.Gln34Pro)

Gene: ALPL (alkaline phosphatase, biomineralization associated; plus strand). Cytogenetic location: 1p36.12.
Variant type: single nucleotide variant.
Coding change: c.101A>C on transcript NM_000478.6 (MANE Select); coding-DNA position 101, A replaced by C.
Protein change: p.Gln34Pro; replaces glutamine 34 with proline.
Molecular consequence: missense variant. On other transcripts: 5 prime UTR variant (2).
Genome position (GRCh38, 1-based): chr1:21,560,665, A>C. VCF-style: chr1-21560665-A-C. GRCh37 (hg19) VCF-style: chr1-21887158-A-C.
Other names: c.-65A>C (NM_001127501.4); c.-15A>C (NM_001177520.3); c.101A>C, p.Gln34Pro (NM_001369803.2, NM_001369804.2, NM_001369805.2); short protein forms Q34P.
Identifiers: ClinVar variation 3579722 (VCV003579722.2).

ClinVar aggregate classification (germline): Uncertain significance. Review status: criteria provided, multiple submitters, no conflicts (2 of 4 stars). 2 submissions from 2 submitters: Uncertain significance (2). Last evaluated 2025-05-12.

Conditions:
Adult hypophosphatasia. Identifiers: Orphanet 247676, Orphanet 436, MedGen C0268413, MONDO:1010154, OMIM 146300, MONDO:0007798.
Childhood hypophosphatasia. Identifiers: Orphanet 247667, Orphanet 436, MedGen C0220743, MONDO:1010168, OMIM 241510, MONDO:0009428.
Infantile hypophosphatasia. Identifiers: Orphanet 247651, Orphanet 436, MedGen C0268412, MONDO:1010169, OMIM 241500, MONDO:0009427.

Submissions (2):

Labcorp Genetics (formerly Invitae), Labcorp
Classification: Uncertain significance. Last evaluated: 2025-05-12. Review status: criteria provided, single submitter. Criteria: Invitae Variant Classification Sherloc (09022015). Collection method: clinical testing. Allele origin: germline.
Comment: This sequence change replaces glutamine, which is neutral and polar, with proline, which is neutral and non-polar, at codon 34 of the ALPL protein (p.Gln34Pro). This variant is not present in population databases (gnomAD no frequency). This variant has not been reported in the literature in individuals affected with ALPL-related conditions. ClinVar contains an entry for this variant (Variation ID: 3579722). Invitae Evidence Modeling of protein sequence and biophysical properties (such as structural, functional, and spatial information, amino acid conservation, physicochemical variation, residue mobility, and thermodynamic stability) indicates that this missense variant is expected to disrupt ALPL protein function with a positive predictive value of 95%. In summary, the available evidence is currently insufficient to determine the role of this variant in disease. Therefore, it has been classified as a Variant of Uncertain Significance.

Fulgent Genetics
Classification: Uncertain significance for Adult hypophosphatasia; Infantile hypophosphatasia; Childhood hypophosphatasia. Last evaluated: 2024-01-04. Review status: criteria provided, single submitter. Criteria: ACMG Guidelines, 2015. Collection method: clinical testing. Allele origin: germline.